The following is an entry in ClinVar:

NM_001286.5(CLCN6):c.2529G>C (p.Glu843Asp)

Genes: CLCN6 (chloride voltage-gated channel 6; plus strand), LOC129929417 (ATAC-STARR-seq lymphoblastoid active region 178; plus strand). Cytogenetic location: 1p36.22.
Variant type: single nucleotide variant.
Coding change: c.2529G>C on transcript NM_001286.5 (MANE Select); coding-DNA position 2529, G replaced by C.
Protein change: p.Glu843Asp; replaces glutamic acid 843 with aspartic acid.
Molecular consequence: missense variant. On other transcripts: non-coding transcript variant (1).
Genome position (GRCh38, 1-based): chr1:11,838,660, G>C. VCF-style: chr1-11838660-G-C. GRCh37 (hg19) VCF-style: chr1-11898717-G-C.
Other names: c.2463G>C, p.Glu821Asp (NM_001256959.2); short protein forms E843D, E821D.
Identifiers: ClinVar variation 2023731 (VCV002023731.4), dbSNP rs2523178908, ClinGen allele CA338443967.
Genomic context (GRCh38, chr1:11,838,660, plus strand): 5'-CTTCAACCTGTTCAGAACGATGGGCCTGCGCCACCTGCCCGTGGTGAACGCTGTGGGAGA[G>C]GTGAGCGAGGCCCCGGCCCTGCCCCCACCTTTGAGAGAGGATCCCCTAGCCAGGTGCTGT-3'
Protein context (NP_001277.2, residues 833-853): RHLPVVNAVG[Glu843Asp]IVGIITRHNL

ClinVar aggregate classification (germline): Uncertain significance (1 of 4 stars; one submission).

Submission:

Labcorp Genetics (formerly Invitae), Labcorp
Classification: Uncertain significance. Last evaluated: 2021-12-02. Review status: criteria provided, single submitter. Criteria: Invitae Variant Classification Sherloc (09022015). Collection method: clinical testing. Allele origin: germline.
Comment: This sequence change replaces glutamic acid, which is acidic and polar, with aspartic acid, which is acidic and polar, at codon 843 of the CLCN6 protein (p.Glu843Asp). This variant also falls at the last nucleotide of exon 22, which is part of the consensus splice site for this exon. This variant is not present in population databases (gnomAD no frequency). This variant has not been reported in the literature in individuals affected with CLCN6-related conditions. Algorithms developed to predict the effect of missense changes on protein structure and function are either unavailable or do not agree on the potential impact of this missense change (SIFT: "Tolerated"; PolyPhen-2: "Probably Damaging"; Align-GVGD: "Class C0"). Variants that disrupt the consensus splice site are a relatively common cause of aberrant splicing (PMID: 17576681, 9536098). Algorithms developed to predict the effect of sequence changes on RNA splicing suggest that this variant may disrupt the consensus splice site. In summary, the available evidence is currently insufficient to determine the role of this variant in disease. Therefore, it has been classified as a Variant of Uncertain Significance.

Literature cited by the submitters: PubMed 17576681; PubMed 9536098.